The following is an entry in ClinVar:

NM_006033.4(LIPG):c.218C>T (p.Pro73Leu)

Gene: LIPG (lipase G, endothelial type; plus strand). Cytogenetic location: 18q21.1.
Variant type: single nucleotide variant.
Coding change: c.218C>T on transcript NM_006033.4 (MANE Select); coding-DNA position 218, C replaced by T.
Protein change: p.Pro73Leu; replaces proline 73 with leucine.
Molecular consequence: missense variant.
Genome position (GRCh38, 1-based): chr18:49,565,437, C>T. VCF-style: chr18-49565437-C-T. GRCh37 (hg19) VCF-style: chr18-47091807-C-T.
Other names: c.218C>T, p.Pro73Leu (NM_001308006.2); c.218C>T (NM_006033.3); short protein forms P73L.
Identifiers: ClinVar variation 1607238 (VCV001607238.9), dbSNP rs61729804, ClinGen allele CA8959020.

ClinVar aggregate classification (germline): Benign/Likely benign. Review status: criteria provided, multiple submitters, no conflicts (2 of 4 stars). 2 submissions from 2 submitters: Benign (1); Likely benign (1). Last evaluated 2025-11-08.

Conditions:
LIPG-related disorder. Also called: LIPG-related condition.

Allele frequency attached by ClinVar (database versions not stated): gnomAD exomes 0.00033; ExAC 0.00039; 1000 Genomes Project 0.00080; 1000 Genomes Project 30x 0.00094; gnomAD 0.00147 and 0.00164; TOPMed 0.00175; ESP Exome Variant Server 0.00185.
gnomAD v4.1: 400 of 1,614,200 alleles (0.025%); highest among the groups gnomAD compares: African/African-American, 0.48%; no homozygotes.

Submissions (2):

Labcorp Genetics (formerly Invitae), Labcorp
Classification: Benign. Last evaluated: 2025-11-08. Review status: criteria provided, single submitter. Criteria: Invitae Variant Classification Sherloc (09022015). Collection method: clinical testing. Allele origin: germline.

PreventionGenetics, part of Exact Sciences
Classification: Likely benign for LIPG-related condition. Last evaluated: 2025-04-07. Review status: criteria provided, single submitter. Criteria: ACMG Guidelines, 2015. Collection method: clinical testing. Allele origin: germline.
Comment: This variant is classified as likely benign based on ACMG/AMP sequence variant interpretation guidelines (Richards et al. 2015 PMID: 25741868, with internal and published modifications).